The following is an entry in ClinVar:

ClinVar aggregate classification (germline): Uncertain significance (1 of 4 stars; one submission).

Conditions:
Inborn genetic diseases. Identifiers: MedGen C0950123, MeSH D030342.

Submission:

Ambry Genetics
Classification: Uncertain significance for Inborn genetic diseases. Last evaluated: 2025-11-10. Review status: criteria provided, single submitter. Criteria: Ambry Variant Classification Scheme 2023. Collection method: clinical testing. Allele origin: germline.
Comment: The p.A23V variant (also known as c.68C>T), located in coding exon 1 of the KDM1A gene, results from a C to T substitution at nucleotide position 68. The alanine at codon 23 is replaced by valine, an amino acid with similar properties. This amino acid position is conserved. In addition, this alteration is predicted to be tolerated by in silico analysis. Based on the available evidence, the clinical significance of this variant remains unclear.

NM_001009999.3(KDM1A):c.68C>T (p.Ala23Val)

Gene: KDM1A (lysine demethylase 1A; plus strand). Cytogenetic location: 1p36.12.
Variant type: single nucleotide variant.
Coding change: c.68C>T on transcript NM_001009999.3 (MANE Select); coding-DNA position 68, C replaced by T.
Protein change: p.Ala23Val; replaces alanine 23 with valine.
Molecular consequence: missense variant.
Genome position (GRCh38, 1-based): chr1:23,019,664, C>T. VCF-style: chr1-23019664-C-T. GRCh37 (hg19) VCF-style: chr1-23346157-C-T.
Other names: c.68C>T, p.Ala23Val (NM_001363654.2, NM_001410762.1, NM_001410763.1 and 1 more transcripts); short protein forms A23V.
Identifiers: ClinVar variation 4622703 (VCV004622703.1).